The following is an entry in ClinVar:

NC_000005.9:g.(?_60240739)_(60241229_?)del

Genes: ERCC8 (ERCC excision repair 8, CSA ubiquitin ligase complex subunit; minus strand), NDUFAF2 (NADH:ubiquinone oxidoreductase complex assembly factor 2; plus strand). Cytogenetic location: 5q12.1.
Variant type: Deletion.
Identifiers: ClinVar variation 3246568 (VCV003246568.1).

ClinVar aggregate classification (germline): Pathogenic (1 of 4 stars; one submission).

Submission:

Labcorp Genetics (formerly Invitae), Labcorp
Classification: Pathogenic. Last evaluated: 2024-01-22. Review status: criteria provided, single submitter. Criteria: Invitae Variant Classification Sherloc (09022015). Collection method: clinical testing. Allele origin: unknown.
Comment: This variant is a gross deletion of the genomic region encompassing exon(s) 1 of the NDUFAF2 gene, which includes the initiator codon. This deletion extends beyond the assayed region for this gene and therefore may encompass additional genes. It is expected to result in an absent or disrupted protein product. Loss-of-function variants in NDUFAF2 are known to be pathogenic (PMID: 18180188). This variant has not been reported in the literature in individuals affected with NDUFAF2-related conditions. For these reasons, this variant has been classified as Pathogenic.

Literature cited by the submitters: PubMed 18180188.